The following is an entry in ClinVar:

NM_001375524.1(TRRAP):c.4721C>T (p.Ser1574Leu)

Gene: TRRAP (transformation/transcription domain associated protein; plus strand). Cytogenetic location: 7q22.1.
Variant type: single nucleotide variant.
Coding change: c.4721C>T on transcript NM_001375524.1 (MANE Select); coding-DNA position 4721, C replaced by T.
Protein change: p.Ser1574Leu; replaces serine 1574 with leucine.
Molecular consequence: missense variant.
Genome position (GRCh38, 1-based): chr7:98,948,618, C>T. VCF-style: chr7-98948618-C-T. GRCh37 (hg19) VCF-style: chr7-98546241-C-T.
Other names: c.4700C>T, p.Ser1567Leu (NM_001244580.2); c.4646C>T, p.Ser1549Leu (NM_003496.4); short protein forms S1549L, S1567L, S1574L.
Identifiers: ClinVar variation 4778378 (VCV004778378.1).

ClinVar aggregate classification (germline): Uncertain significance (1 of 4 stars; one submission).

gnomAD v4.1: 5 of 1,614,082 alleles (0.00031%); highest among the groups gnomAD compares: African/African-American, 0.0013%; no homozygotes.

Submission:

Labcorp Genetics (formerly Invitae), Labcorp
Classification: Uncertain significance. Last evaluated: 2025-05-18. Review status: criteria provided, single submitter. Criteria: Invitae Variant Classification Sherloc (09022015). Collection method: clinical testing. Allele origin: germline.
Comment: This sequence change replaces serine, which is neutral and polar, with leucine, which is neutral and non-polar, at codon 1549 of the TRRAP protein (p.Ser1549Leu). This variant is present in population databases (no rsID available, gnomAD 0.01%). This variant has not been reported in the literature in individuals affected with TRRAP-related conditions. Invitae Evidence Modeling of protein sequence and biophysical properties (such as structural, functional, and spatial information, amino acid conservation, physicochemical variation, residue mobility, and thermodynamic stability) indicates that this missense variant is not expected to disrupt TRRAP protein function with a negative predictive value of 80%. In summary, the available evidence is currently insufficient to determine the role of this variant in disease. Therefore, it has been classified as a Variant of Uncertain Significance.